The following is an entry in ClinVar:

ClinVar aggregate classification (germline): Likely benign (1 of 4 stars; one submission).

gnomAD v4.1: 28 of 1,613,700 alleles (0.0017%); highest among the groups gnomAD compares: East Asian, 0.045%; no homozygotes.

Submission:

CeGaT Center for Human Genetics Tuebingen
Classification: Likely benign. Last evaluated: 2025-02-01. Review status: criteria provided, single submitter. Criteria: CeGaT Center For Human Genetics Tuebingen Variant Classification Criteria Version 2. Collection method: clinical testing. Allele origin: germline. Affected: yes. Observed: 1 variant allele.
Comment: KMT2E: BP4, BP7

NM_182931.3(KMT2E):c.972C>T (p.Asn324=)

Gene: KMT2E (lysine methyltransferase 2E (inactive); plus strand). Cytogenetic location: 7q22.3.
Variant type: single nucleotide variant.
Coding change: c.972C>T on transcript NM_182931.3 (MANE Select); coding-DNA position 972, C replaced by T.
Protein change: p.Asn324=; no amino-acid change (asparagine 324 retained).
Molecular consequence: synonymous variant.
Genome position (GRCh38, 1-based): chr7:105,077,166, C>T. VCF-style: chr7-105077166-C-T. GRCh37 (hg19) VCF-style: chr7-104717613-C-T.
Other names: c.972C>T, p.Asn324= (NM_001410908.1, NM_018682.4).
Identifiers: ClinVar variation 3771908 (VCV003771908.13).